The following is an entry in ClinVar:

ClinVar aggregate classification (germline): Uncertain significance. Review status: criteria provided, multiple submitters, no conflicts (2 of 4 stars). 2 submissions from 2 submitters: Uncertain significance (2). Last evaluated 2024-07-30.

Conditions:
Cardiovascular phenotype. Identifiers: MedGen CN230736.
Long QT syndrome (LQTS). Identifiers: MedGen C0023976, MeSH D008133, MONDO:0002442. Disease mechanism: loss of function. Inheritance: Various modes of inheritance.

Allele frequency attached by ClinVar (database versions not stated): ExAC 0.00002; TOPMed 0.00002; gnomAD 0.00005.

Submissions (2):

Labcorp Genetics (formerly Invitae), Labcorp
Classification: Uncertain significance for Long QT syndrome. Last evaluated: 2024-07-30. Review status: criteria provided, single submitter. Criteria: Invitae Variant Classification Sherloc (09022015). Collection method: clinical testing. Allele origin: germline.
Comment: This sequence change replaces glutamic acid, which is acidic and polar, with lysine, which is basic and polar, at codon 213 of the KCNJ5 protein (p.Glu213Lys). This variant is present in population databases (rs771380462, gnomAD 0.01%). This variant has not been reported in the literature in individuals affected with KCNJ5-related conditions. ClinVar contains an entry for this variant (Variation ID: 1753165). Advanced modeling of protein sequence and biophysical properties (such as structural, functional, and spatial information, amino acid conservation, physicochemical variation, residue mobility, and thermodynamic stability) performed at Invitae indicates that this missense variant is not expected to disrupt KCNJ5 protein function with a negative predictive value of 80%. In summary, the available evidence is currently insufficient to determine the role of this variant in disease. Therefore, it has been classified as a Variant of Uncertain Significance.

Ambry Genetics
Classification: Uncertain significance for Cardiovascular phenotype. Last evaluated: 2022-02-15. Review status: criteria provided, single submitter. Criteria: Ambry Variant Classification Scheme 2023. Collection method: clinical testing. Allele origin: germline.
Comment: The p.E213K variant (also known as c.637G>A), located in coding exon 1 of the KCNJ5 gene, results from a G to A substitution at nucleotide position 637. The glutamic acid at codon 213 is replaced by lysine, an amino acid with similar properties. This amino acid position is not well conserved in available vertebrate species. In addition, the in silico prediction for this alteration is inconclusive. Since supporting evidence is limited at this time, the clinical significance of this alteration remains unclear.

NM_000890.5(KCNJ5):c.637G>A (p.Glu213Lys)

Gene: KCNJ5 (potassium inwardly rectifying channel subfamily J member 5; plus strand). Cytogenetic location: 11q24.3.
Variant type: single nucleotide variant.
Coding change: c.637G>A on transcript NM_000890.5 (MANE Select); coding-DNA position 637, G replaced by A.
Protein change: p.Glu213Lys; replaces glutamic acid 213 with lysine.
Molecular consequence: missense variant.
Genome position (GRCh38, 1-based): chr11:128,911,910, G>A. VCF-style: chr11-128911910-G-A. GRCh37 (hg19) VCF-style: chr11-128781805-G-A.
Other names: c.637G>A, p.Glu213Lys (NM_001354169.2); short protein forms E213K.
Identifiers: ClinVar variation 1753165 (VCV001753165.5), dbSNP rs771380462, ClinGen allele CA6357909.